The following is an entry in ClinVar:

NM_006019.4(TCIRG1):c.1164C>T (p.Pro388=)

Gene: TCIRG1 (T cell immune regulator 1, ATPase H+ transporting V0 subunit a3; plus strand). Cytogenetic location: 11q13.2.
Variant type: single nucleotide variant.
Coding change: c.1164C>T on transcript NM_006019.4 (MANE Select); coding-DNA position 1164, C replaced by T.
Protein change: p.Pro388=; no amino-acid change (proline 388 retained).
Molecular consequence: synonymous variant. On other transcripts: intron variant (1).
Genome position (GRCh38, 1-based): chr11:68,045,101, C>T. VCF-style: chr11-68045101-C-T. GRCh37 (hg19) VCF-style: chr11-67812568-C-T.
Other names: c.270C>T, p.Pro90= (NM_001351059.2); c.1164C>T, p.Pro388= (NM_001440552.1, NM_001440553.1, NM_001440554.1 and 2 more transcripts); c.1122C>T, p.Pro374= (NM_001440555.1, NM_001440556.1, NM_001440563.1); c.951C>T, p.Pro317= (NM_001440559.1, NM_001440560.1, NM_001440561.1 and 3 more transcripts); c.909C>T, p.Pro303= (NM_001440564.1); c.864C>T, p.Pro288= (NM_001440565.1); c.696C>T, p.Pro232= (NM_001440568.1); c.516C>T, p.Pro172= (NM_006053.4); and 1 more.
Identifiers: ClinVar variation 4748727 (VCV004748727.1).

ClinVar aggregate classification (germline): Uncertain significance (1 of 4 stars; one submission).

gnomAD v4.1: 58 of 1,600,622 alleles (0.0036%); highest among the groups gnomAD compares: Middle Eastern, 0.016%; no homozygotes.

Submission:

Labcorp Genetics (formerly Invitae), Labcorp
Classification: Uncertain significance. Last evaluated: 2025-07-22. Review status: criteria provided, single submitter. Criteria: Invitae Variant Classification Sherloc (09022015). Collection method: clinical testing. Allele origin: germline.
Comment: This sequence change affects codon 388 of the TCIRG1 mRNA. It is a 'silent' change, meaning that it does not change the encoded amino acid sequence of the TCIRG1 protein. It affects a nucleotide within the consensus splice site. The frequency data for this variant in the population databases is considered unreliable, as metrics indicate poor data quality at this position in the gnomAD database. This variant has not been reported in the literature in individuals affected with TCIRG1-related conditions. Algorithms developed to predict the effect of sequence changes on RNA splicing suggest that this variant is not likely to affect RNA splicing. In summary, the available evidence is currently insufficient to determine the role of this variant in disease. Therefore, it has been classified as a Variant of Uncertain Significance.